The following is an entry in ClinVar:

NM_014956.5(CEP164):c.101G>A (p.Arg34Gln)

Gene: CEP164 (centrosomal protein 164; plus strand). Cytogenetic location: 11q23.3.
Variant type: single nucleotide variant.
Coding change: c.101G>A on transcript NM_014956.5 (MANE Select); coding-DNA position 101, G replaced by A.
Protein change: p.Arg34Gln; replaces arginine 34 with glutamine.
Molecular consequence: missense variant.
Genome position (GRCh38, 1-based): chr11:117,344,184, G>A. VCF-style: chr11-117344184-G-A. GRCh37 (hg19) VCF-style: chr11-117214900-G-A.
Other names: c.101G>A, p.Arg34Gln (NM_001271933.2); c.101G>A (NM_014956.4); short protein forms R34Q.
Identifiers: ClinVar variation 2888350 (VCV002888350.4), dbSNP rs760829793, ClinGen allele CA382721740.

ClinVar aggregate classification (germline): Uncertain significance. Review status: criteria provided, multiple submitters, no conflicts (2 of 4 stars). 4 submissions from 4 submitters: Uncertain significance (4). Last evaluated 2025-10-22.

Conditions:
Inborn genetic diseases. Identifiers: MedGen C0950123, MeSH D030342.
Nephronophthisis 15 (NPHP15). Identifiers: Orphanet 3156, MedGen C3541853, MONDO:0013917, OMIM 614845.
CEP164-related disorder. Also called: CEP164-related condition.

gnomAD v4.1: 7 of 1,611,492 alleles (0.00043%); highest among the groups gnomAD compares: South Asian, 0.0022%; no homozygotes.

Submissions (4):

Ambry Genetics
Classification: Uncertain significance for Inborn genetic diseases. Last evaluated: 2025-10-22. Review status: criteria provided, single submitter. Criteria: Ambry Variant Classification Scheme 2023. Collection method: clinical testing. Allele origin: germline.

PreventionGenetics, part of Exact Sciences
Classification: Uncertain significance for CEP164-related condition. Last evaluated: 2024-12-05. Review status: criteria provided, single submitter. Criteria: ACMG Guidelines, 2015. Collection method: clinical testing. Allele origin: germline.
Comment: The CEP164 c.101G>A variant is predicted to result in the amino acid substitution p.Arg34Gln. To our knowledge, this variant has not been reported in the literature. This variant is reported in 0.0067% of alleles in individuals of South Asian descent in gnomAD. At this time, the clinical significance of this variant is uncertain due to the absence of conclusive functional and genetic evidence.

Fulgent Genetics
Classification: Uncertain significance for Nephronophthisis 15. Last evaluated: 2024-01-07. Review status: criteria provided, single submitter. Criteria: ACMG Guidelines, 2015. Collection method: clinical testing. Allele origin: germline.

Labcorp Genetics (formerly Invitae), Labcorp
Classification: Uncertain significance for Nephronophthisis 15. Last evaluated: 2023-07-17. Review status: criteria provided, single submitter. Criteria: Invitae Variant Classification Sherloc (09022015). Collection method: clinical testing. Allele origin: germline.
Comment: This sequence change replaces arginine, which is basic and polar, with glutamine, which is neutral and polar, at codon 34 of the CEP164 protein (p.Arg34Gln). This variant is present in population databases (no rsID available, gnomAD 0.007%). This variant has not been reported in the literature in individuals affected with CEP164-related conditions. An algorithm developed to predict the effect of missense changes on protein structure and function (PolyPhen-2) suggests that this variant¬†is likely to be tolerated. In summary, the available evidence is currently insufficient to determine the role of this variant in disease. Therefore, it has been classified as a Variant of Uncertain Significance.